The following is an entry in ClinVar:

NM_001164508.2(NEB):c.17396T>C (p.Ile5799Thr)

Gene: NEB (nebulin; minus strand). Cytogenetic location: 2q23.3.
Variant type: single nucleotide variant.
Coding change: c.17396T>C on transcript NM_001164508.2 (MANE Select); coding-DNA position 17396, T replaced by C.
Protein change: p.Ile5799Thr; replaces isoleucine 5799 with threonine.
Molecular consequence: missense variant.
Genome position (GRCh38, 1-based): chr2:151,570,115, A>G on the plus strand (T>C on the coding strand, the complement: NEB is on the minus strand). VCF-style: chr2-151570115-A-G. GRCh37 (hg19) VCF-style: chr2-152426629-A-G.
Other names: c.17396T>C, p.Ile5799Thr (NM_001164507.2, NM_001271208.2); c.12293T>C, p.Ile4098Thr (NM_004543.5); short protein forms I5799T, I4098T.
Identifiers: ClinVar variation 651880 (VCV000651880.11), dbSNP rs1262861131, ClinGen allele CA348807344.
Genomic context (GRCh38, chr2:151,570,115, plus strand): 5'-TTCAACCCCAAATGCAGCCCACTCACATCGCTCTGCAGTTCGTAGGCCTTCTTGGCCTGA[A>G]TCACATCGTTCTGGTCGGGCATGCAGGTCCACTGGTGCAGGTAATTGCGGTAATCCATGT-3'
Protein context (NP_001157980.2, residues 5789-5809): WTCMPDQNDV[Ile5799Thr]QAKKAYELQS

ClinVar aggregate classification (germline): Uncertain significance. Review status: criteria provided, single submitter (1 of 4 stars). 2 submissions from 2 submitters: Uncertain significance (1). 1 of the submissions does not count toward it. Last evaluated 2025-06-20.

Conditions:
Nemaline myopathy 2 (NEM2). Also called: Nemaline myopathy 2, autosomal recessive. Identifiers: MedGen C1850569, MONDO:0009725, OMIM 256030.

Allele frequency attached by ClinVar (database versions not stated): gnomAD exomes below 0.00001.
gnomAD v4.1: 6 of 1,612,298 alleles (0.00037%); highest among the groups gnomAD compares: Non-Finnish European, 0.00042%; no homozygotes.

Submissions (2):

Labcorp Genetics (formerly Invitae), Labcorp
Classification: Uncertain significance for Nemaline myopathy 2. Last evaluated: 2025-06-20. Review status: criteria provided, single submitter. Criteria: Invitae Variant Classification Sherloc (09022015). Collection method: clinical testing. Allele origin: germline.
Comment: This sequence change replaces isoleucine, which is neutral and non-polar, with threonine, which is neutral and polar, at codon 5799 of the NEB protein (p.Ile5799Thr). This variant is not present in population databases (gnomAD no frequency). This variant has not been reported in the literature in individuals affected with NEB-related conditions. ClinVar contains an entry for this variant (Variation ID: 651880). Experimental studies and prediction algorithms are not available or were not evaluated, and the functional significance of this variant is currently unknown. In summary, the available evidence is currently insufficient to determine the role of this variant in disease. Therefore, it has been classified as a Variant of Uncertain Significance.

Natera, Inc.
Classification: Uncertain significance for Nemaline myopathy type 2. Last evaluated: 2020-09-16. Review status: no assertion criteria provided. Collection method: clinical testing. Allele origin: germline. Not counted in ClinVar's aggregate classification.